The following is an entry in ClinVar:

ClinVar aggregate classification (germline): Uncertain significance (1 of 4 stars; one submission).

Submission:

GeneDx
Classification: Uncertain significance. Last evaluated: 2024-05-28. Review status: criteria provided, single submitter. Criteria: GeneDx Variant Classification Process June 2021. Collection method: clinical testing. Allele origin: germline. Affected: yes.
Comment: Not observed at significant frequency in large population cohorts (gnomAD); In silico analysis supports a deleterious effect on splicing; Has not been previously published as pathogenic or benign to our knowledge

NM_004958.4(MTOR):c.6561A>G (p.Lys2187=)

Gene: MTOR (mechanistic target of rapamycin kinase; minus strand). Cytogenetic location: 1p36.22.
Variant type: single nucleotide variant.
Coding change: c.6561A>G on transcript NM_004958.4 (MANE Select); coding-DNA position 6561, A replaced by G.
Protein change: p.Lys2187=; no amino-acid change (lysine 2187 retained).
Molecular consequence: synonymous variant.
Genome position (GRCh38, 1-based): chr1:11,124,599, T>C on the plus strand (A>G on the coding strand, the complement: MTOR is on the minus strand). VCF-style: chr1-11124599-T-C. GRCh37 (hg19) VCF-style: chr1-11184656-T-C.
Other names: c.6561A>G, p.Lys2187= (NM_001386500.1); c.5313A>G, p.Lys1771= (NM_001386501.1).
Identifiers: ClinVar variation 3383584 (VCV003383584.1).